The following is an entry in ClinVar:

NM_000138.5(FBN1):c.763G>T (p.Gly255Trp)

Gene: FBN1 (fibrillin 1; minus strand). Cytogenetic location: 15q21.1.
Variant type: single nucleotide variant.
Coding change: c.763G>T on transcript NM_000138.5 (MANE Select); coding-DNA position 763, G replaced by T.
Protein change: p.Gly255Trp; replaces glycine 255 with tryptophan.
Molecular consequence: missense variant.
Genome position (GRCh38, 1-based): chr15:48,534,179, C>A on the plus strand (G>T on the coding strand, the complement: FBN1 is on the minus strand). VCF-style: chr15-48534179-C-A. GRCh37 (hg19) VCF-style: chr15-48826376-C-A.
Other names: c.763G>T, p.Gly255Trp (NM_001406716.1, NM_001406717.1); short protein forms G255W.
Identifiers: ClinVar variation 2166879 (VCV002166879.4), dbSNP rs781113082, ClinGen allele CA392352729.

ClinVar aggregate classification (germline): Uncertain significance (1 of 4 stars; one submission).

Conditions:
Familial thoracic aortic aneurysm and aortic dissection (TAAD). Also called: Thoracic aortic aneurysms and dissections. Identifiers: Orphanet 91387, MedGen C4707243, MONDO:0019625.
Marfan syndrome (MFS). Also called: MARFAN SYNDROME, TYPE I; Marfan syndrome type 1; Marfan's syndrome; Marfan syndrome, classic; FBN1-Related Marfan Syndrome. Identifiers: Orphanet 284963, Orphanet 558, MedGen C0024796, MONDO:0007947, OMIM 154700.

gnomAD v4.1: 4 of 1,613,024 alleles (0.00025%); highest among the groups gnomAD compares: Non-Finnish European, 0.00034%; no homozygotes.

Submission:

Labcorp Genetics (formerly Invitae), Labcorp
Classification: Uncertain significance for Marfan syndrome; Familial thoracic aortic aneurysm and aortic dissection. Last evaluated: 2024-01-19. Review status: criteria provided, single submitter. Criteria: Invitae Variant Classification Sherloc (09022015). Collection method: clinical testing. Allele origin: germline.
Comment: This sequence change replaces glycine, which is neutral and non-polar, with tryptophan, which is neutral and slightly polar, at codon 255 of the FBN1 protein (p.Gly255Trp). This variant is not present in population databases (gnomAD no frequency). This variant has not been reported in the literature in individuals affected with FBN1-related conditions. ClinVar contains an entry for this variant (Variation ID: 2166879). Advanced modeling of protein sequence and biophysical properties (such as structural, functional, and spatial information, amino acid conservation, physicochemical variation, residue mobility, and thermodynamic stability) performed at Invitae indicates that this missense variant is expected to disrupt FBN1 protein function with a positive predictive value of 95%. In summary, the available evidence is currently insufficient to determine the role of this variant in disease. Therefore, it has been classified as a Variant of Uncertain Significance.